The following is an entry in ClinVar:

NM_031956.4(TTC29):c.58C>T (p.Gln20Ter)

Genes: TTC29 (tetratricopeptide repeat domain 29; minus strand), TTC29-AS1 (TTC29 antisense RNA 1; plus strand). Cytogenetic location: 4q31.22.
Variant type: single nucleotide variant.
Coding change: c.58C>T on transcript NM_031956.4 (MANE Select); coding-DNA position 58, C replaced by T.
Protein change: p.Gln20Ter; replaces glutamine 20 with a stop codon.
Molecular consequence: nonsense. On other transcripts: non-coding transcript variant (1).
Genome position (GRCh38, 1-based): chr4:146,939,838, G>A on the plus strand (C>T on the coding strand, the complement: TTC29 is on the minus strand). VCF-style: chr4-146939838-G-A. GRCh37 (hg19) VCF-style: chr4-147860990-G-A.
Other names: c.136C>T, p.Gln46Ter (NM_001300761.4); c.58C>T, p.Gln20Ter (NM_001317806.3); short protein forms Q20*, Q46*.
Identifiers: ClinVar variation 4533232 (VCV004533232.1).
Genomic context (GRCh38, chr4:146,939,838, plus strand): 5'-AATAAGTAAAAACCAGGGGCACGTACCTTGGAATTTTTCTGGAGGAGCAAGGCAGCTTCT[G>A]TCTGGCTAAGGCTGTAAGCTTCGGGCGTGTCATGGGCAGTGGGGGCAGGGTGGTCATTTC-3'

ClinVar aggregate classification (germline): Likely pathogenic (1 of 4 stars; one submission).

Conditions:
Spermatogenic failure 42. Identifiers: MedGen C5231488, MONDO:0032896, OMIM 618745.

Submission:

Juno Genomics, Hangzhou Juno Genomics, Inc
Classification: Likely pathogenic for Spermatogenic failure 42. Review status: criteria provided, single submitter. Criteria: ACMG Guidelines, 2015. Collection method: clinical testing. Allele origin: germline. Affected: yes.
Comment: Absent from controls (or at extremely low frequency if recessive) in Genome Aggregation Database, Exome Sequencing Project, 1000 Genomes Project, or Exome Aggregation Consortium.;Null variant in a gene where loss of function (LOF) is a known mechanism of disease.